The following is an entry in ClinVar:

NM_032043.3(BRIP1):c.3039del (p.Gly1014fs)

Gene: BRIP1 (BRCA1 interacting DNA helicase 1; minus strand). Cytogenetic location: 17q23.2.
Variant type: Deletion.
Coding change: c.3039del on transcript NM_032043.3 (MANE Select); coding-DNA position 3039, one base deleted (T; older notation c.3039delT).
Protein change: p.Gly1014fs; shifts the reading frame from glycine 1014.
Molecular consequence: frameshift variant.
Genome position (GRCh38, 1-based): chr17:61,684,007, A deleted on the plus strand (T on the coding strand, the reverse complement: BRIP1 is on the minus strand). VCF-style (leftmost placement, unchanged base first): chr17-61684006-CA-C. GRCh37 (hg19) VCF-style: chr17-59761367-CA-C.
Other names: short protein forms G1014fs.
Identifiers: ClinVar variation 1466208 (VCV001466208.7), dbSNP rs2144090521, ClinGen allele CA2573154341.

ClinVar aggregate classification (germline): Uncertain significance (1 of 4 stars; one submission).

Conditions:
Familial cancer of breast. Also called: Hereditary breast cancer; BREAST CANCER, FAMILIAL; hereditary breast carcinoma. Identifiers: Orphanet 227535, MedGen C0346153, MONDO:0016419, OMIM 114480. Disease mechanism: loss of function.
Fanconi anemia complementation group J. Also called: BRIP1-Related Fanconi Anemia. Identifiers: Orphanet 84, MedGen C1836860, MONDO:0012187, OMIM 609054.

Submission:

Labcorp Genetics (formerly Invitae), Labcorp
Classification: Uncertain significance for Familial cancer of breast; Fanconi anemia complementation group J. Last evaluated: 2025-07-15. Review status: criteria provided, single submitter. Criteria: Invitae Variant Classification Sherloc (09022015). Collection method: clinical testing. Allele origin: germline.
Comment: This sequence change creates a premature translational stop signal (p.Gly1014Valfs*45) in the BRIP1 gene. While this is not anticipated to result in nonsense mediated decay, it is expected to disrupt the last 236 amino acid(s) of the BRIP1 protein. This variant is not present in population databases (gnomAD no frequency). This variant has not been reported in the literature in individuals affected with BRIP1-related conditions. ClinVar contains an entry for this variant (Variation ID: 1466208). In summary, the available evidence is currently insufficient to determine the role of this variant in disease. Therefore, it has been classified as a Variant of Uncertain Significance.